The following is an entry in ClinVar:

ClinVar aggregate classification (germline): Uncertain significance. Review status: criteria provided, multiple submitters, no conflicts (2 of 4 stars). 4 submissions from 4 submitters: Uncertain significance (3). 1 of the submissions does not count toward it. Last evaluated 2025-12-24.

Conditions:
Thrombocytopenia 5 (THC5). Also called: THROMBOCYTOPENIA 5 WITH INCREASED SUSCEPTIBILITY TO MALIGNANCY; THROMBOCYTOPENIA, AUTOSOMAL DOMINANT, 5. Identifiers: MedGen C4015537, MONDO:0014536, OMIM 616216.
Inborn genetic diseases. Identifiers: MedGen C0950123, MeSH D030342.

Allele frequency attached by ClinVar (database versions not stated): gnomAD 0.00001; TOPMed 0.00001.

Submissions (4):

Labcorp Genetics (formerly Invitae), Labcorp
Classification: Uncertain significance. Last evaluated: 2025-12-24. Review status: criteria provided, single submitter. Criteria: Invitae Variant Classification Sherloc (09022015). Collection method: clinical testing. Allele origin: germline.
Comment: This sequence change replaces arginine, which is basic and polar, with glutamine, which is neutral and polar, at codon 14 of the ETV6 protein (p.Arg14Gln). This variant is present in population databases (rs781494988, gnomAD 0.008%). This variant has not been reported in the literature in individuals affected with ETV6-related conditions. ClinVar contains an entry for this variant (Variation ID: 2582756). An algorithm developed to predict the effect of missense changes on protein structure and function (PolyPhen-2) suggests that this variant is likely to be tolerated. In summary, the available evidence is currently insufficient to determine the role of this variant in disease. Therefore, it has been classified as a Variant of Uncertain Significance.

Ambry Genetics
Classification: Uncertain significance for Inborn genetic diseases. Last evaluated: 2025-01-02. Review status: criteria provided, single submitter. Criteria: Ambry Variant Classification Scheme 2023. Collection method: clinical testing. Allele origin: germline.
Comment: The p.R14Q variant (also known as c.41G>A), located in coding exon 2 of the ETV6 gene, results from a G to A substitution at nucleotide position 41. The arginine at codon 14 is replaced by glutamine, an amino acid with highly similar properties. This variant was identified as germline in a cohort of 690 patients with myeloid malignancy (Li ST et al. Leukemia, 2020 Jun;34:1675-1678). This amino acid position is highly conserved in available vertebrate species. In addition, this alteration is predicted to be tolerated by in silico analysis. Based on the available evidence, the clinical significance of this variant remains unclear.

GeneDx
Classification: Uncertain significance. Last evaluated: 2024-03-01. Review status: criteria provided, single submitter. Criteria: GeneDx Variant Classification Process June 2021. Collection method: clinical testing. Allele origin: germline. Affected: yes.
Comment: Not observed at significant frequency in large population cohorts (gnomAD); In silico analysis supports that this missense variant does not alter protein structure/function; Has not been previously published as pathogenic or benign to our knowledge

Zotz-Klimas Genetics Lab, MVZ Zotz Klimas
Classification: Uncertain significance for Thrombocytopenia 5. Last evaluated: 2023-10-09. Review status: no assertion criteria provided. Collection method: clinical testing. Allele origin: germline. Affected: yes. Not counted in ClinVar's aggregate classification.

Literature cited by the submitters: PubMed 31911633 (cited by Ambry Genetics).

NM_001987.5(ETV6):c.41G>A (p.Arg14Gln)

Gene: ETV6 (ETS variant transcription factor 6; plus strand). Cytogenetic location: 12p13.2.
Variant type: single nucleotide variant.
Coding change: c.41G>A on transcript NM_001987.5 (MANE Select); coding-DNA position 41, G replaced by A.
Protein change: p.Arg14Gln; replaces arginine 14 with glutamine.
Molecular consequence: missense variant. On other transcripts: intron variant (1).
Genome position (GRCh38, 1-based): chr12:11,752,457, G>A. VCF-style: chr12-11752457-G-A. GRCh37 (hg19) VCF-style: chr12-11905391-G-A.
Other names: c.38G>A, p.Arg13Gln (NM_001413913.1); c.14G>A, p.Arg5Gln (NM_001413914.1); c.41G>A, p.Arg14Gln (NM_001413916.1, NM_001413917.1, NM_001413918.1); c.-101-86683G>A (NM_001413915.1); short protein forms R13Q, R14Q, R5Q.
Identifiers: ClinVar variation 2582756 (VCV002582756.6), dbSNP rs781494988, ClinGen allele CA6454096.